The following is an entry in ClinVar:

NM_006493.4(CLN5):c.974A>G (p.Tyr325Cys)

Gene: CLN5 (CLN5 lysosomal BMP synthase; plus strand). Cytogenetic location: 13q22.3.
Variant type: single nucleotide variant.
Coding change: c.974A>G on transcript NM_006493.4 (MANE Select); coding-DNA position 974, A replaced by G.
Protein change: p.Tyr325Cys; replaces tyrosine 325 with cysteine.
Molecular consequence: missense variant. On other transcripts: 3 prime UTR variant (1).
Genome position (GRCh38, 1-based): chr13:77,000,866, A>G. VCF-style: chr13-77000866-A-G. GRCh37 (hg19) VCF-style: chr13-77575001-A-G.
Other names: Y374C; c.1121A>G, p.Tyr374Cys (LRG_692t1); c.*423A>G (NM_001366624.2); short protein forms Y325C.
Identifiers: ClinVar variation 2570 (VCV000002570.16), dbSNP rs148862100, ClinGen allele CA252339.

ClinVar aggregate classification (germline): Conflicting classifications of pathogenicity. Review status: criteria provided, conflicting classifications (1 of 4 stars). 9 submissions from 9 submitters: Pathogenic (1); Likely pathogenic (5); Uncertain significance (1). 2 of the submissions do not count toward it. Last evaluated 2025-09-09.

Conditions:
CLN5-related disorder. Also called: CLN5-related condition.
Neuronal ceroid lipofuscinosis. Also called: Neuronal Ceroid Lipofuscinoses. Identifiers: Orphanet 216, Orphanet 79263, MedGen C0027877, MONDO:0016295. Disease mechanism: loss of function.
Neuronal ceroid lipofuscinosis 5 (CLN5). Also called: CEROID LIPOFUSCINOSIS, NEURONAL, 5, VARIABLE AGE AT ONSET; CLN5-Related Neuronal Ceroid-Lipofuscinosis; Neuronal ceroid lipofuscinosis Finnish variant; NEURONAL CEROID LIPOFUSCINOSIS, LATE INFANTILE, FINNISH VARIANT. Identifiers: Orphanet 168491, Orphanet 228360, MedGen C1850442, MONDO:0009745, OMIM 256731.

Allele frequency attached by ClinVar (database versions not stated): ExAC 0.00001; gnomAD 0.00001; gnomAD exomes 0.00001 and 0.00002; TOPMed 0.00002; ESP Exome Variant Server 0.00015.

Submissions (9):

Natera, Inc.
Classification: Likely pathogenic for Neuronal ceroid lipofuscinosis. Last evaluated: 2025-09-09. Review status: criteria provided, single submitter. Criteria: Natera Variant Classification Schema (03/2026). Collection method: clinical testing. Allele origin: germline.
Comment: The c.1121A>G variant in CLN5 is a missense variant predicted to cause substitution of tyrosine to cysteine at amino acid 374. This variant is rare in the general population with a frequency below the threshold expected for the associated phenotype(s). This variant has been observed in one or more individuals affected with the associated recessive disease, as either homozygous or compound heterozygous with a second variant (PMID: 19383612, 20157158). This variant has been observed to segregate in affected family members (PMID: 20157158). This variant has been identified in one or more affected individual with a phenotype highly consistent with the associated gene (PMID: 19383612). Computational prediction algorithms indicate this variant is likely to affect gene or protein function. Given the available evidence, this variant is classified as Likely Pathogenic.

GeneDx
Classification: Likely pathogenic. Last evaluated: 2025-02-28. Review status: criteria provided, single submitter. Criteria: GeneDx Variant Classification Process June 2021. Collection method: clinical testing. Allele origin: germline. Affected: yes.
Comment: Not observed at significant frequency in large population cohorts (gnomAD); In silico analysis supports that this missense variant has a deleterious effect on protein structure/function; This variant is associated with the following publications: (PMID: 21990111, 20157158, 30919163, 32983231, 19383612)

Baylor Genetics
Classification: Likely pathogenic for Neuronal ceroid lipofuscinosis 5. Last evaluated: 2024-03-22. Review status: criteria provided, single submitter. Criteria: ACMG Guidelines, 2015. Collection method: clinical testing. Allele origin: unknown.

Fulgent Genetics
Classification: Likely pathogenic for Neuronal ceroid lipofuscinosis 5. Last evaluated: 2024-03-14. Review status: criteria provided, single submitter. Criteria: ACMG Guidelines, 2015. Collection method: clinical testing. Allele origin: germline.

Labcorp Genetics (formerly Invitae), Labcorp
Classification: Uncertain significance for Neuronal ceroid lipofuscinosis. Last evaluated: 2022-08-15. Review status: criteria provided, single submitter. Criteria: Invitae Variant Classification Sherloc (09022015). Collection method: clinical testing. Allele origin: germline.
Comment: This sequence change replaces tyrosine, which is neutral and polar, with cysteine, which is neutral and slightly polar, at codon 374 of the CLN5 protein (p.Tyr374Cys). This variant is present in population databases (rs148862100, gnomAD 0.002%). This missense change has been observed in individuals with neuronal ceroid lipofuscinosis (PMID: 19383612, 20157158). ClinVar contains an entry for this variant (Variation ID: 2570). Algorithms developed to predict the effect of missense changes on protein structure and function are either unavailable or do not agree on the potential impact of this missense change (SIFT: "Deleterious"; PolyPhen-2: "Probably Damaging"; Align-GVGD: "Class C0"). In summary, the available evidence is currently insufficient to determine the role of this variant in disease. Therefore, it has been classified as a Variant of Uncertain Significance.

Genome-Nilou Lab
Classification: Likely pathogenic for Neuronal ceroid lipofuscinosis 5. Last evaluated: 2021-08-10. Review status: criteria provided, single submitter. Criteria: ACMG Guidelines, 2015. Collection method: clinical testing. Allele origin: germline. Affected: no.

Blueprint Genetics
Classification: Pathogenic for CLN5-related disorders. Last evaluated: 2020-09-22. Review status: criteria provided, single submitter. Criteria: ACMG Guidelines, 2015. Collection method: clinical testing. Allele origin: germline. Affected: yes. Observed: 2 variant alleles.

Counsyl
Classification: Uncertain significance for Neuronal ceroid lipofuscinosis 5. Last evaluated: 2019-06-06. Review status: no assertion criteria provided. Collection method: clinical testing. Allele origin: unknown. Not counted in ClinVar's aggregate classification.

OMIM
Classification: Pathogenic for CEROID LIPOFUSCINOSIS, NEURONAL, 5. Last evaluated: 2010-02-16. Review status: no assertion criteria provided. Collection method: literature only. Allele origin: germline. Not counted in ClinVar's aggregate classification.

Literature cited by the submitters: PubMed 19383612 (cited by Natera, Inc. and Labcorp Genetics (formerly Invitae), Labcorp); PubMed 20157158 (cited by 4 submitters).